The following is an entry in ClinVar:

ClinVar aggregate classification (germline): Uncertain significance. Review status: criteria provided, multiple submitters, no conflicts (2 of 4 stars). 2 submissions from 2 submitters: Uncertain significance (2). Last evaluated 2023-12-15.

Conditions:
Inborn genetic diseases. Identifiers: MedGen C0950123, MeSH D030342.

Allele frequency attached by ClinVar (database versions not stated): ExAC 0.00001; gnomAD exomes 0.00002; ESP Exome Variant Server 0.00008; gnomAD 0.00008; TOPMed 0.00013.
gnomAD v4.1: 107 of 1,614,122 alleles (0.0066%); highest among the groups gnomAD compares: Non-Finnish European, 0.0081%; no homozygotes.

Submissions (2):

Ambry Genetics
Classification: Uncertain significance for Inborn genetic diseases. Last evaluated: 2023-12-15. Review status: criteria provided, single submitter. Criteria: Ambry Variant Classification Scheme 2023. Collection method: clinical testing. Allele origin: germline.

Labcorp Genetics (formerly Invitae), Labcorp
Classification: Uncertain significance. Last evaluated: 2022-08-22. Review status: criteria provided, single submitter. Criteria: Invitae Variant Classification Sherloc (09022015). Collection method: clinical testing. Allele origin: germline.
Comment: This sequence change replaces leucine, which is neutral and non-polar, with phenylalanine, which is neutral and non-polar, at codon 187 of the MDH2 protein (p.Leu187Phe). This variant is present in population databases (rs373660415, gnomAD 0.004%). This variant has not been reported in the literature in individuals affected with MDH2-related conditions. ClinVar contains an entry for this variant (Variation ID: 1503190). Algorithms developed to predict the effect of missense changes on protein structure and function (SIFT, PolyPhen-2, Align-GVGD) all suggest that this variant is likely to be tolerated. In summary, the available evidence is currently insufficient to determine the role of this variant in disease. Therefore, it has been classified as a Variant of Uncertain Significance.

NM_005918.4(MDH2):c.561G>C (p.Leu187Phe)

Gene: MDH2 (malate dehydrogenase 2; plus strand). Cytogenetic location: 7q11.23.
Variant type: single nucleotide variant.
Coding change: c.561G>C on transcript NM_005918.4 (MANE Select); coding-DNA position 561, G replaced by C.
Protein change: p.Leu187Phe; replaces leucine 187 with phenylalanine.
Molecular consequence: missense variant.
Genome position (GRCh38, 1-based): chr7:76,063,520, G>C. VCF-style: chr7-76063520-G-C. GRCh37 (hg19) VCF-style: chr7-75692838-G-C.
Other names: c.435G>C, p.Leu145Phe (NM_001282403.2); c.240G>C, p.Leu80Phe (NM_001282404.2); c.561G>C (NM_005918.2); short protein forms L187F, L145F, L80F.
Identifiers: ClinVar variation 1503190 (VCV001503190.7), dbSNP rs373660415, ClinGen allele CA4305602.